The following is an entry in ClinVar:

NM_001692.4(ATP6V1B1):c.342_348dup (p.Val117fs)

Gene: ATP6V1B1 (ATPase H+ transporting V1 subunit B1; plus strand). Cytogenetic location: 2p13.3.
Variant type: Duplication.
Coding change: c.342_348dup on transcript NM_001692.4 (MANE Select); coding-DNA positions 342 to 348, 7 bases duplicated (AACTCCG; older notation c.342_348dupAACTCCG).
Protein change: p.Val117fs; shifts the reading frame from valine 117.
Molecular consequence: frameshift variant.
Genome position (GRCh38, 1-based): chr2:70,958,401-70,958,407, AACTCCG duplicated; duplicating any 7 consecutive bases within chr2:70,958,399-70,958,407 gives the same sequence; the c. name uses the placement nearest the transcript's 3' end. VCF-style (leftmost placement, unchanged base first): chr2-70958398-A-ACGAACTC. GRCh37 (hg19) VCF-style: chr2-71185528-A-ACGAACTC.
Other names: short protein forms V117fs.
Identifiers: ClinVar variation 5014274 (VCV005014274.1).

ClinVar aggregate classification (germline): Pathogenic (1 of 4 stars; one submission).

Conditions:
Renal tubular acidosis with progressive nerve deafness. Also called: RENAL TUBULAR ACIDOSIS, AUTOSOMAL RECESSIVE, WITH PROGRESSIVE NERVE DEAFNESS; RTA WITH PROGRESSIVE NERVE DEAFNESS; Distal Renal Tubular Acidosis with Progressive Sensorineural Deafness; renal tubular acidosis, distal, 2, with progressive sensorineural hearing loss. Identifiers: MedGen C0403554, MONDO:0009968, OMIM 267300.

Submission:

Myriad Genetics, Inc.
Classification: Pathogenic for Renal tubular acidosis with progressive nerve deafness. Last evaluated: 2024-05-14. Review status: criteria provided, single submitter. Criteria: Myriad Autosomal Dominant, Autosomal Recessive and X-Linked Classification Criteria (2023). Collection method: clinical testing. Allele origin: unknown.
Comment: NM_001692.3(ATP6V1B1):c.342_348dup7(V117Nfs*20) is expected to be pathogenic in the context of distal renal tubular acidosis with deafness, ATP6V1B1-related. This variant is predicted to lead to an abnormal or absent protein product due to the creation of a premature termination codon in ATP6V1B1, a gene where loss-of-function variants are known to be pathogenic. Please note: this variant was assessed in the context of healthy population screening.